The following is an entry in ClinVar:

NM_001081.4(CUBN):c.2177G>A (p.Gly726Glu)

Gene: CUBN (cubilin; minus strand). Cytogenetic location: 10p13.
Variant type: single nucleotide variant.
Coding change: c.2177G>A on transcript NM_001081.4 (MANE Select); coding-DNA position 2177, G replaced by A.
Protein change: p.Gly726Glu; replaces glycine 726 with glutamic acid.
Molecular consequence: missense variant.
Genome position (GRCh38, 1-based): chr10:17,084,395, C>T on the plus strand (G>A on the coding strand, the complement: CUBN is on the minus strand). VCF-style: chr10-17084395-C-T. GRCh37 (hg19) VCF-style: chr10-17126394-C-T.
Other names: c.2177G>A (NM_001081.3); short protein forms G726E.
Identifiers: ClinVar variation 1383436 (VCV001383436.9), dbSNP rs767277942, ClinGen allele CA5425064.
Genomic context (GRCh38, chr10:17,084,395, plus strand): 5'-ATTTGTTCTCCCTGGGGCTGCTTCATCATATAGACGCATTGCCTGGTGTGAGTGAAAGGC[C>T]CAGACAACTCAGGCAAGAAGAGTTCACCCTCTGGGTCCGTGTAGTTCCCACCACAACGCA-3'
Protein context (NP_001072.2, residues 716-736): EGELFLPELS[Gly726Glu]PFTHTRQCVY

ClinVar aggregate classification (germline): Conflicting classifications of pathogenicity. Review status: criteria provided, conflicting classifications (1 of 4 stars). 3 submissions from 3 submitters: Uncertain significance (2); Likely benign (1). Last evaluated 2025-09-28.

Conditions:
Inborn genetic diseases. Identifiers: MedGen C0950123, MeSH D030342.
Imerslund-Grasbeck syndrome. Also called: ENTEROCYTE COBALAMIN MALABSORPTION; ENTEROCYTE INTRINSIC FACTOR RECEPTOR, DEFECT OF; Megaloblastic anemia due to inborn errors of metabolism; PERNICIOUS ANEMIA, JUVENILE, DUE TO SELECTIVE INTESTINAL MALABSORPTION OF VITAMIN B12, WITH PROTEINURIA; Imerslund-Gräsbeck syndrome. Identifiers: Orphanet 35858, MedGen C4551825, MONDO:0009853.

Allele frequency attached by ClinVar (database versions not stated): ExAC 0.00001; gnomAD exomes 0.00001 and 0.00002; TOPMed 0.00008; gnomAD 0.00009 and 0.00010.
gnomAD v4.1: 30 of 1,613,944 alleles (0.0019%); highest among the groups gnomAD compares: African/African-American, 0.037%; no homozygotes.

Submissions (3):

Ambry Genetics
Classification: Uncertain significance for Inborn genetic diseases. Last evaluated: 2025-09-28. Review status: criteria provided, single submitter. Criteria: Ambry Variant Classification Scheme 2023. Collection method: clinical testing. Allele origin: germline.

Blueprint Genetics
Classification: Likely benign. Last evaluated: 2024-05-02. Review status: criteria provided, single submitter. Criteria: ACMG Guidelines, 2015. Collection method: clinical testing. Allele origin: germline.

Labcorp Genetics (formerly Invitae), Labcorp
Classification: Uncertain significance for Imerslund-Grasbeck syndrome. Last evaluated: 2023-07-17. Review status: criteria provided, single submitter. Criteria: Invitae Variant Classification Sherloc (09022015). Collection method: clinical testing. Allele origin: germline.
Comment: This variant is present in population databases (rs767277942, gnomAD 0.03%). In summary, the available evidence is currently insufficient to determine the role of this variant in disease. Therefore, it has been classified as a Variant of Uncertain Significance. Advanced modeling of protein sequence and biophysical properties (such as structural, functional, and spatial information, amino acid conservation, physicochemical variation, residue mobility, and thermodynamic stability) performed at Invitae indicates that this missense variant is not expected to disrupt CUBN protein function. ClinVar contains an entry for this variant (Variation ID: 1383436). This variant has not been reported in the literature in individuals affected with CUBN-related conditions. This sequence change replaces glycine, which is neutral and non-polar, with glutamic acid, which is acidic and polar, at codon 726 of the CUBN protein (p.Gly726Glu).